The following is an entry in ClinVar:

ClinVar aggregate classification (germline): Uncertain significance. Review status: criteria provided, multiple submitters, no conflicts (2 of 4 stars). 2 submissions from 2 submitters: Uncertain significance (2). Last evaluated 2025-10-22.

Conditions:
Gastrointestinal stromal tumor. Also called: Gastrointestinal stromal tumor, somatic; Gastrointestinal stroma tumor. Identifiers: Orphanet 44890, MedGen C0238198, MeSH D046152, MONDO:0011719, OMIM 606764, HP:0100723.
Hereditary cancer-predisposing syndrome. Also called: Hereditary neoplastic syndrome; Neoplastic Syndromes, Hereditary; Hereditary Cancer Syndrome; Tumor predisposition. Identifiers: Orphanet 140162, MedGen C0027672, MeSH D009386, MONDO:0015356.

gnomAD v4.1: 6 of 1,614,206 alleles (0.00037%); highest among the groups gnomAD compares: Non-Finnish European, 0.00051%; no homozygotes.

Submissions (2):

Ambry Genetics
Classification: Uncertain significance for Hereditary cancer-predisposing syndrome. Last evaluated: 2025-10-22. Review status: criteria provided, single submitter. Criteria: Ambry Variant Classification Scheme 2023. Collection method: clinical testing. Allele origin: germline.
Comment: The p.R49P variant (also known as c.146G>C), located in coding exon 2 of the KIT gene, results from a G to C substitution at nucleotide position 146. The arginine at codon 49 is replaced by proline, an amino acid with dissimilar properties. This amino acid position is conserved. In addition, this alteration is predicted to be tolerated by in silico analysis. Based on the available evidence, the clinical significance of this variant remains unclear.

Labcorp Genetics (formerly Invitae), Labcorp
Classification: Uncertain significance for Gastrointestinal stromal tumor. Last evaluated: 2025-02-26. Review status: criteria provided, single submitter. Criteria: Invitae Variant Classification Sherloc (09022015). Collection method: clinical testing. Allele origin: germline.
Comment: This sequence change replaces arginine, which is basic and polar, with proline, which is neutral and non-polar, at codon 49 of the KIT protein (p.Arg49Pro). This variant is present in population databases (rs376469897, gnomAD 0.0009%). This variant has not been reported in the literature in individuals affected with KIT-related conditions. ClinVar contains an entry for this variant (Variation ID: 568840). An algorithm developed to predict the effect of missense changes on protein structure and function (PolyPhen-2) suggests that this variant is likely to be tolerated. In summary, the available evidence is currently insufficient to determine the role of this variant in disease. Therefore, it has been classified as a Variant of Uncertain Significance.

NM_000222.3(KIT):c.146G>C (p.Arg49Pro)

Gene: KIT (KIT proto-oncogene, receptor tyrosine kinase; plus strand). Cytogenetic location: 4q12.
Variant type: single nucleotide variant.
Coding change: c.146G>C on transcript NM_000222.3 (MANE Select); coding-DNA position 146, G replaced by C.
Protein change: p.Arg49Pro; replaces arginine 49 with proline.
Molecular consequence: missense variant.
Genome position (GRCh38, 1-based): chr4:54,695,590, G>C. VCF-style: chr4-54695590-G-C. GRCh37 (hg19) VCF-style: chr4-55561756-G-C.
Other names: c.146G>C, p.Arg49Pro (NM_001093772.2, NM_001385284.1, NM_001385285.1 and 4 more transcripts); short protein forms R49P.
Identifiers: ClinVar variation 568840 (VCV000568840.7), dbSNP rs376469897, ClinGen allele CA2923169.